The following is an entry in ClinVar:

ClinVar aggregate classification (germline): Uncertain significance (1 of 4 stars; one submission).

gnomAD v4.1: 36 of 1,613,258 alleles (0.0022%); highest among the groups gnomAD compares: East Asian, 0.0067%; no homozygotes.

Submission:

Mayo Clinic Laboratories, Mayo Clinic
Classification: Uncertain significance. Last evaluated: 2025-06-19. Review status: criteria provided, single submitter. Criteria: ACMG Guidelines, 2015. Collection method: clinical testing. Allele origin: germline. Observed: 1 variant allele.
Comment: BP4_moderate

NM_001365276.2(TNXB):c.8537G>A (p.Arg2846His)

Gene: TNXB (tenascin XB; minus strand). Cytogenetic location: 6p21.33.
Variant type: single nucleotide variant.
Coding change: c.8537G>A on transcript NM_001365276.2 (MANE Select); coding-DNA position 8537, G replaced by A.
Protein change: p.Arg2846His; replaces arginine 2846 with histidine.
Molecular consequence: missense variant.
Genome position (GRCh38, 1-based): chr6:32,053,642, C>T on the plus strand (G>A on the coding strand, the complement: TNXB is on the minus strand). VCF-style: chr6-32053642-C-T. GRCh37 (hg19) VCF-style: chr6-32021419-C-T.
Other names: p.Arg2844His; c.9278G>A, p.Arg3093His (NM_001428335.1); c.8531G>A, p.Arg2844His (NM_019105.8); short protein forms R3093H, R2844H, R2846H.
Identifiers: ClinVar variation 4541137 (VCV004541137.1).
Genomic context (GRCh38, chr6:32,053,642, plus strand): 5'-ACCATCCAGGACAGGCTGAGGGAGTCAGGGGTGGCATCTGTCACGGTCAGCTCCCCGAGG[C>T]GAGGCTTGTTGGGGGGCTCAGGGGTTGTGGTGGGCACTGCTTGGGTGGTCTCTGCTTCAT-3'
Protein context (NP_001352205.1, residues 2836-2856): TTTPEPPNKP[Arg2846His]LGELTVTDAT